The following is an entry in ClinVar:

NM_004082.5(DCTN1):c.2938T>A (p.Leu980Met)

Gene: DCTN1 (dynactin subunit 1; minus strand). Cytogenetic location: 2p13.1.
Variant type: single nucleotide variant.
Coding change: c.2938T>A on transcript NM_004082.5 (MANE Select); coding-DNA position 2938, T replaced by A.
Protein change: p.Leu980Met; replaces leucine 980 with methionine.
Molecular consequence: missense variant. On other transcripts: non-coding transcript variant (1).
Genome position (GRCh38, 1-based): chr2:74,365,606, A>T on the plus strand (T>A on the coding strand, the complement: DCTN1 is on the minus strand). VCF-style: chr2-74365606-A-T. GRCh37 (hg19) VCF-style: chr2-74592733-A-T.
Other names: c.2827T>A, p.Leu943Met (NM_001190836.2); c.2917T>A, p.Leu973Met (NM_001190837.2); c.2887T>A, p.Leu963Met (NM_001378991.1); c.2869T>A, p.Leu957Met (NM_001378992.1); c.2536T>A, p.Leu846Met (NM_023019.4, NM_001135041.3); c.2878T>A, p.Leu960Met (NM_001135040.3); short protein forms L960M, L980M, L846M, L943M, L957M, L963M, L973M.
Identifiers: ClinVar variation 2932122 (VCV002932122.3), dbSNP rs370060938, ClinGen allele CA347341712.

ClinVar aggregate classification (germline): Uncertain significance (1 of 4 stars; one submission).

Conditions:
Amyotrophic lateral sclerosis type 1 (ALS1). Also called: AMYOTROPHIC LATERAL SCLEROSIS 1, FAMILIAL. Identifiers: Orphanet 803, MedGen C1862939, MONDO:0007103, OMIM 105400.
Neuronopathy, distal hereditary motor, type 7B. Also called: HMN VIIB; LOWER MOTOR NEURON DISEASE, DYNACTIN TYPE; NEURONOPATHY, DISTAL HEREDITARY MOTOR, AUTOSOMAL DOMINANT 14; NEURONOPATHY, DISTAL HEREDITARY MOTOR, HARDING TYPE VIIB; NEUROPATHY, DISTAL HEREDITARY MOTOR, HARDING TYPE VIIB; NEUROPATHY, DISTAL HEREDITARY MOTOR, WITH VOCAL CORD PARALYSIS, HARDING TYPE VIIB. Identifiers: Orphanet 139589, MedGen C1843315, MONDO:0011879, OMIM 607641.
Perry syndrome. Also called: PARKINSONISM WITH ALVEOLAR HYPOVENTILATION AND MENTAL DEPRESSION. Identifiers: Orphanet 178509, MedGen C1868594, MONDO:0008201, OMIM 168605.

Submission:

Labcorp Genetics (formerly Invitae), Labcorp
Classification: Uncertain significance for Amyotrophic lateral sclerosis type 1; Neuronopathy, distal hereditary motor, type 7B; Perry syndrome. Last evaluated: 2022-11-03. Review status: criteria provided, single submitter. Criteria: Invitae Variant Classification Sherloc (09022015). Collection method: clinical testing. Allele origin: germline.
Comment: This sequence change replaces leucine, which is neutral and non-polar, with methionine, which is neutral and non-polar, at codon 980 of the DCTN1 protein (p.Leu980Met). This variant is not present in population databases (gnomAD no frequency). This variant has not been reported in the literature in individuals affected with DCTN1-related conditions. Advanced modeling of protein sequence and biophysical properties (such as structural, functional, and spatial information, amino acid conservation, physicochemical variation, residue mobility, and thermodynamic stability) has been performed at Invitae for this missense variant, however the output from this modeling did not meet the statistical confidence thresholds required to predict the impact of this variant on DCTN1 protein function. In summary, the available evidence is currently insufficient to determine the role of this variant in disease. Therefore, it has been classified as a Variant of Uncertain Significance.